The following is an entry in ClinVar:

NM_021942.6(TRAPPC11):c.2336A>G (p.His779Arg)

Genes: TRAPPC11 (trafficking protein particle complex subunit 11; plus strand), LOC126807238 (BRD4-independent group 4 enhancer GRCh37_chr4:184614366-184615565; plus strand). Cytogenetic location: 4q35.1.
Variant type: single nucleotide variant.
Coding change: c.2336A>G on transcript NM_021942.6 (MANE Select); coding-DNA position 2336, A replaced by G.
Protein change: p.His779Arg; replaces histidine 779 with arginine.
Molecular consequence: missense variant.
Genome position (GRCh38, 1-based): chr4:183,693,687, A>G. VCF-style: chr4-183693687-A-G. GRCh37 (hg19) VCF-style: chr4-184614840-A-G.
Other names: c.2336A>G, p.His779Arg (NM_199053.3); short protein forms H779R.
Identifiers: ClinVar variation 1491301 (VCV001491301.8), dbSNP rs1466846744, ClinGen allele CA358871477.

ClinVar aggregate classification (germline): Uncertain significance (1 of 4 stars; one submission).

Conditions:
Autosomal recessive limb-girdle muscular dystrophy type R18 (LGMDR18). Also called: Autosomal recessive limb-girdle muscular dystrophy type 2S; Limb-girdle muscular dystrophy, type 2S; MUSCULAR DYSTROPHY, LIMB-GIRDLE, AUTOSOMAL RECESSIVE 18. Identifiers: Orphanet 369840, MedGen C4517996, MONDO:0014144, OMIM 615356.

Allele frequency attached by ClinVar (database versions not stated): gnomAD exomes below 0.00001.
gnomAD v4.1: 1 of 1,614,188 alleles (0.000062%); highest among the groups gnomAD compares: Non-Finnish European, 0.000085%; no homozygotes.

Submission:

Labcorp Genetics (formerly Invitae), Labcorp
Classification: Uncertain significance for Autosomal recessive limb-girdle muscular dystrophy type R18. Last evaluated: 2021-05-03. Review status: criteria provided, single submitter. Criteria: Invitae Variant Classification Sherloc (09022015). Collection method: clinical testing. Allele origin: germline.
Comment: In summary, the available evidence is currently insufficient to determine the role of this variant in disease. Therefore, it has been classified as a Variant of Uncertain Significance. Algorithms developed to predict the effect of missense changes on protein structure and function are either unavailable or do not agree on the potential impact of this missense change (SIFT: "Tolerated"; PolyPhen-2: "Possibly Damaging"; Align-GVGD: "Class C0"). This variant has not been reported in the literature in individuals with TRAPPC11-related conditions. This variant is not present in population databases (ExAC no frequency). This sequence change replaces histidine with arginine at codon 779 of the TRAPPC11 protein (p.His779Arg). The histidine residue is weakly conserved and there is a small physicochemical difference between histidine and arginine.